The following is an entry in ClinVar:

NM_016642.4(SPTBN5):c.129C>A (p.Gly43=)

Genes: SPTBN5 (spectrin beta, non-erythrocytic 5; minus strand), LOC105370792 (uncharacterized LOC105370792; plus strand). Cytogenetic location: 15q15.1.
Variant type: single nucleotide variant.
Coding change: c.129C>A on transcript NM_016642.4 (MANE Select); coding-DNA position 129, C replaced by A.
Protein change: p.Gly43=; no amino-acid change (glycine 43 retained).
Molecular consequence: synonymous variant.
Genome position (GRCh38, 1-based): chr15:41,893,369, G>T on the plus strand (C>A on the coding strand, the complement: SPTBN5 is on the minus strand). VCF-style: chr15-41893369-G-T. GRCh37 (hg19) VCF-style: chr15-42185567-G-T.
Identifiers: ClinVar variation 3035087 (VCV003035087.2), dbSNP rs774275926, ClinGen allele CA7504542.

ClinVar aggregate classification (germline): Likely benign (0 of 4 stars; one submission).

Conditions:
SPTBN5-related disorder. Also called: SPTBN5-related condition.

Allele frequency attached by ClinVar (database versions not stated): ExAC 0.00005; TOPMed 0.00010; gnomAD 0.00011.
gnomAD v4.1: 176 of 1,613,836 alleles (0.011%); highest among the groups gnomAD compares: Non-Finnish European, 0.014%; no homozygotes.

Submission:

PreventionGenetics, part of Exact Sciences
Classification: Likely benign for SPTBN5-related condition. Last evaluated: 2019-08-01. Review status: no assertion criteria provided. Collection method: clinical testing. Allele origin: germline.
Comment: This variant is classified as likely benign based on ACMG/AMP sequence variant interpretation guidelines (Richards et al. 2015 PMID: 25741868, with internal and published modifications).